The following is an entry in ClinVar:

NM_020919.4(ALS2):c.2528G>A (p.Arg843Gln)

Gene: ALS2 (alsin Rho guanine nucleotide exchange factor ALS2; minus strand). Cytogenetic location: 2q33.1.
Variant type: single nucleotide variant.
Coding change: c.2528G>A on transcript NM_020919.4 (MANE Select); coding-DNA position 2528, G replaced by A.
Protein change: p.Arg843Gln; replaces arginine 843 with glutamine.
Molecular consequence: missense variant.
Genome position (GRCh38, 1-based): chr2:201,733,328, C>T on the plus strand (G>A on the coding strand, the complement: ALS2 is on the minus strand). VCF-style: chr2-201733328-C-T. GRCh37 (hg19) VCF-style: chr2-202598051-C-T.
Other names: short protein forms R843Q.
Identifiers: ClinVar variation 895141 (VCV000895141.9), dbSNP rs368315489, ClinGen allele CA2058160.

ClinVar aggregate classification (germline): Uncertain significance. Review status: criteria provided, multiple submitters, no conflicts (2 of 4 stars). 6 submissions from 5 submitters: Uncertain significance (6). Last evaluated 2025-12-02.

Conditions:
ALS2-related disorder. Also called: ALS2-Related Spectrum Disorders; ALS2-related disorders; ALS2-related condition. Identifiers: MedGen CN169291.
Inborn genetic diseases. Identifiers: MedGen C0950123, MeSH D030342.
Amyotrophic lateral sclerosis type 2, juvenile. Also called: Amyotrophic lateral sclerosis type 2; ALS, JUVENILE. Identifiers: Orphanet 300605, MedGen C1859807, MONDO:0008780, OMIM 205100.
Infantile-onset ascending hereditary spastic paralysis (IAHSP). Also called: Autosomal Recessive Juvenile Amyotrophic Lateral Sclerosis; Infantile-Onset Ascending Hereditary Spastic Paralysis (IAHSP). Identifiers: Orphanet 293168, MedGen C2931441, MONDO:0011797, OMIM 607225. Disease mechanism: loss of function.

Allele frequency attached by ClinVar (database versions not stated): ExAC 0.00007; gnomAD 0.00007; gnomAD exomes 0.00007; TOPMed 0.00007; ESP Exome Variant Server 0.00008.

Submissions (6):

Ambry Genetics
Classification: Uncertain significance for Inborn genetic diseases. Last evaluated: 2025-12-02. Review status: criteria provided, single submitter. Criteria: Ambry Variant Classification Scheme 2023. Collection method: clinical testing. Allele origin: germline.

PreventionGenetics, part of Exact Sciences
Classification: Uncertain significance for ALS2-related condition. Last evaluated: 2025-05-21. Review status: criteria provided, single submitter. Criteria: ACMG Guidelines, 2015. Collection method: clinical testing. Allele origin: germline.
Comment: The ALS2 c.2528G>A variant is predicted to result in the amino acid substitution p.Arg843Gln. To our knowledge, this variant has not been reported in the literature. This variant is reported in 0.013% of alleles in individuals of European (Non-Finnish) descent in gnomAD. At this time, the clinical significance of this variant is uncertain due to the absence of conclusive functional and genetic evidence.

GeneDx
Classification: Uncertain significance. Last evaluated: 2025-01-14. Review status: criteria provided, single submitter. Criteria: GeneDx Variant Classification Process June 2021. Collection method: clinical testing. Allele origin: germline. Affected: yes.
Comment: Not observed at significant frequency in large population cohorts (gnomAD); In silico analysis indicates that this missense variant does not alter protein structure/function; Has not been previously published as pathogenic or benign to our knowledge

Labcorp Genetics (formerly Invitae), Labcorp
Classification: Uncertain significance for Infantile-onset ascending hereditary spastic paralysis. Last evaluated: 2022-05-06. Review status: criteria provided, single submitter. Criteria: Invitae Variant Classification Sherloc (09022015). Collection method: clinical testing. Allele origin: germline.
Comment: This sequence change replaces arginine, which is basic and polar, with glutamine, which is neutral and polar, at codon 843 of the ALS2 protein (p.Arg843Gln). This variant is present in population databases (rs368315489, gnomAD 0.01%). This variant has not been reported in the literature in individuals affected with ALS2-related conditions. ClinVar contains an entry for this variant (Variation ID: 895141). Algorithms developed to predict the effect of missense changes on protein structure and function (SIFT, PolyPhen-2, Align-GVGD) all suggest that this variant is likely to be tolerated. In summary, the available evidence is currently insufficient to determine the role of this variant in disease. Therefore, it has been classified as a Variant of Uncertain Significance.

Illumina Laboratory Services, Illumina
Classification: Uncertain significance for ALS2-Related Disorders. Last evaluated: 2018-01-12. Review status: criteria provided, single submitter. Criteria: ICSL Variant Classification Criteria 13 December 2019. Collection method: clinical testing. Allele origin: germline.

Illumina Laboratory Services, Illumina
Classification: Uncertain significance for Amyotrophic lateral sclerosis type 2. Last evaluated: 2018-01-12. Review status: criteria provided, single submitter. Criteria: ICSL Variant Classification Criteria 13 December 2019. Collection method: clinical testing. Allele origin: germline.